The following is an entry in ClinVar:

NM_007294.4(BRCA1):c.5263T>A (p.Ser1755Thr)

Gene: BRCA1 (BRCA1 DNA repair associated; minus strand). Cytogenetic location: 17q21.31.
Variant type: single nucleotide variant.
Coding change: c.5263T>A on transcript NM_007294.4 (MANE Select); coding-DNA position 5263, T replaced by A.
Protein change: p.Ser1755Thr; replaces serine 1755 with threonine.
Molecular consequence: missense variant. On other transcripts: non-coding transcript variant (1).
Genome position (GRCh38, 1-based): chr17:43,057,066, A>T on the plus strand (T>A on the coding strand, the complement: BRCA1 is on the minus strand). VCF-style: chr17-43057066-A-T. GRCh37 (hg19) VCF-style: chr17-41209083-A-T.
Other names: c.5137T>A, p.Ser1713Thr (NM_001407674.1, NM_001407675.1, NM_001407676.1 and 10 more transcripts); c.5134T>A, p.Ser1712Thr (NM_001407689.1, NM_001407681.1, NM_001407682.1 and 6 more transcripts); c.5131T>A, p.Ser1711Thr (NM_001407690.1, NM_001407691.1); c.5122T>A, p.Ser1708Thr (NM_001407692.1, NM_001407694.1, NM_001407695.1 and 13 more transcripts); c.5119T>A, p.Ser1707Thr (NM_001407734.1, NM_001407735.1, NM_001407736.1 and 21 more transcripts); c.5116T>A, p.Ser1706Thr (NM_001407838.1, NM_001407839.1, NM_001407841.1 and 12 more transcripts); c.5257T>A, p.Ser1753Thr (NM_001407861.1, NM_001407629.1, NM_001407630.1 and 14 more transcripts); c.5062T>A, p.Ser1688Thr (NM_001407862.1); and 72 more; short protein forms S651T, S1708T, S1755T, S1776T, S1459T, S1627T, S1644T, S1683T.
Identifiers: ClinVar variation 867904 (VCV000867904.3), dbSNP rs2051501553, ClinGen allele CA10591030.

Conditions:
Breast-ovarian cancer, familial, susceptibility to, 1 (BROVCA1). Also called: BRCA1 Hereditary Breast and Ovarian Cancer; OVARIAN CANCER, SUSCEPTIBILITY TO. Identifiers: Orphanet 145, MedGen C2676676, MONDO:0011450, OMIM 604370. Disease mechanism: loss of function.

Submission:

Brotman Baty Institute, University of Washington
No classification provided (evidence only). Condition: Breast-ovarian cancer, familial 1. Review status: no classification provided. Collection method: in vitro. Allele origin: not applicable. Functional consequence: functionally_normal.
ClinVar note: "not provided" was previously submitted as the classification for the variant. However, the classification appeared to be based only on an observation of functional data so it was converted to no classification on 2025-07-30.